The following is an entry in ClinVar:

ClinVar aggregate classification (germline): Pathogenic (1 of 4 stars; one submission).

Conditions:
Hereditary cancer-predisposing syndrome. Also called: Tumor predisposition; Hereditary neoplastic syndrome; Neoplastic Syndromes, Hereditary; Hereditary Cancer Syndrome. Identifiers: Orphanet 140162, MedGen C0027672, MeSH D009386, MONDO:0015356.

Submission:

Ambry Genetics
Classification: Pathogenic for Hereditary cancer-predisposing syndrome. Last evaluated: 2018-01-31. Review status: criteria provided, single submitter. Criteria: Ambry Variant Classification Scheme 2023. Collection method: clinical testing. Allele origin: germline.
Comment: The c.1267delG pathogenic mutation, located in coding exon 13 of the MUTYH gene, results from a deletion of one nucleotide at nucleotide position 1267, causing a translational frameshift with a predicted alternate stop codon (p.E423Nfs*29). This alteration is expected to result in loss of function by premature protein truncation or nonsense-mediated mRNA decay. As such, this alteration is interpreted as a disease-causing mutation.

NM_001048174.2(MUTYH):c.1183del (p.Glu395fs)

Gene: MUTYH (mutY DNA glycosylase; minus strand). Cytogenetic location: 1p34.1.
Variant type: Deletion.
Coding change: c.1183del on transcript NM_001048174.2 (MANE Select); coding-DNA position 1183, one base deleted (G; older notation c.1183delG).
Protein change: p.Glu395fs; shifts the reading frame from glutamic acid 395.
Molecular consequence: frameshift variant. On other transcripts: non-coding transcript variant (2).
Genome position (GRCh38, 1-based): chr1:45,331,476, C deleted on the plus strand (G on the coding strand, the reverse complement: MUTYH is on the minus strand); the first of 2 consecutive C bases (chr1:45,331,476-45,331,477); deleting either gives the same sequence. VCF-style (leftmost placement, unchanged base first): chr1-45331475-TC-T. GRCh37 (hg19) VCF-style: chr1-45797147-TC-T.
Other names: c.1183del, p.Glu395fs (NM_001048171.2, NM_001048173.2, NM_001293195.2); c.1186del, p.Glu396fs (NM_001048172.2); c.1267del, p.Glu423fs (NM_001128425.2); c.1228del, p.Glu410fs (NM_001293190.2); c.1216del, p.Glu406fs (NM_001293191.2); c.907del, p.Glu303fs (NM_001293192.2, NM_001293196.2); c.838del, p.Glu280fs (NM_001350650.2, NM_001350651.2); c.1258del, p.Glu420fs (NM_012222.3); short protein forms E420fs, E303fs, E396fs, E423fs, E280fs, E406fs, E410fs, E395fs.
Identifiers: ClinVar variation 818740 (VCV000818740.4), dbSNP rs1570373385, ClinGen allele CA915941260.
Genomic context (GRCh38, chr1:45,331,475, plus strand): 5'-CTTACCTCCCCAAGGTGCCGGAGGTGCGTGGCTGGGAGGGGCCCAGCCCAACGCTGTAGT[TC>T]CTGCAGCAGGGCCTTGCGCTGAAGCTGCTCTGAGGGCTCCCAGGTCACGGACGGGAACTC-3'